The following is an entry in ClinVar:

NM_014727.3(KMT2B):c.7260T>C (p.Ser2420=)

Gene: KMT2B (lysine methyltransferase 2B; plus strand). Cytogenetic location: 19q13.12.
Variant type: single nucleotide variant.
Coding change: c.7260T>C on transcript NM_014727.3 (MANE Select); coding-DNA position 7260, T replaced by C.
Protein change: p.Ser2420=; no amino-acid change (serine 2420 retained).
Molecular consequence: synonymous variant.
Genome position (GRCh38, 1-based): chr19:35,736,790, T>C. VCF-style: chr19-35736790-T-C. GRCh37 (hg19) VCF-style: chr19-36227691-T-C.
Identifiers: ClinVar variation 1694912 (VCV001694912.36), dbSNP rs760291756, ClinGen allele CA307801453.

ClinVar aggregate classification (germline): Likely benign. Review status: criteria provided, multiple submitters, no conflicts (2 of 4 stars). 2 submissions from 2 submitters: Likely benign (2). Last evaluated 2025-06-04.

Allele frequency attached by ClinVar (database versions not stated): gnomAD exomes 0.00001.
gnomAD v4.1: 8 of 1,613,712 alleles (0.0005%); highest among the groups gnomAD compares: Non-Finnish European, 0.00068%; no homozygotes.

Submissions (2):

Labcorp Genetics (formerly Invitae), Labcorp
Classification: Likely benign. Last evaluated: 2025-06-04. Review status: criteria provided, single submitter. Criteria: Invitae Variant Classification Sherloc (09022015). Collection method: clinical testing. Allele origin: germline.

CeGaT Center for Human Genetics Tuebingen
Classification: Likely benign. Last evaluated: 2022-04-01. Review status: criteria provided, single submitter. Criteria: CeGaT Center For Human Genetics Tuebingen Variant Classification Criteria Version 2. Collection method: clinical testing. Allele origin: germline. Affected: yes. Observed: 1 variant allele.
Comment: KMT2B: PM2:Supporting, BP4, BP7